The following is an entry in ClinVar:

NM_001031710.3(KLHL7):c.*377G>A

Gene: KLHL7 (kelch like family member 7; plus strand). Cytogenetic location: 7p15.3.
Variant type: single nucleotide variant.
Coding change: c.*377G>A on transcript NM_001031710.3 (MANE Select); 377 bases downstream of the stop codon, G replaced by A.
Molecular consequence: 3 prime UTR variant. On other transcripts: non-coding transcript variant (1).
Genome position (GRCh38, 1-based): chr7:23,174,675, G>A. VCF-style: chr7-23174675-G-A. GRCh37 (hg19) VCF-style: chr7-23214294-G-A.
Other names: c.*377G>A (NM_018846.5).
Identifiers: ClinVar variation 359809 (VCV000359809.5), dbSNP rs142087633, ClinGen allele CA4186714.

ClinVar aggregate classification (germline): Likely benign (1 of 4 stars; one submission).

Conditions:
Retinitis pigmentosa (RP). Identifiers: Orphanet 791, MedGen C0035334, MeSH D012174, MONDO:0019200, OMIM 268000. Inheritance: Autosomal dominant, autosomal recessive and X linked inheritance.

Allele frequency attached by ClinVar (database versions not stated): ExAC 0.00008; gnomAD 0.00014 and 0.00019; gnomAD exomes 0.00020 and 0.00040; TOPMed 0.00029; 1000 Genomes Project 0.00120; 1000 Genomes Project 30x 0.00125.

Submission:

Illumina Laboratory Services, Illumina
Classification: Likely benign for Retinitis pigmentosa. Last evaluated: 2018-01-13. Review status: criteria provided, single submitter. Criteria: ICSL Variant Classification Criteria 13 December 2019. Collection method: clinical testing. Allele origin: germline.
Comment: This variant was observed in the ICSL laboratory as part of a predisposition screen in an ostensibly healthy population. It had not been previously curated by ICSL or reported in the Human Gene Mutation Database (HGMD: prior to June 1st, 2018), and was therefore a candidate for classification through an automated scoring system. Utilizing variant allele frequency, disease prevalence and penetrance estimates, and inheritance mode, an automated score was calculated to assess if this variant is too frequent to cause the disease. Based on the score and internal cut-off values, a variant classified as likely benign is not then subjected to further curation. The score for this variant resulted in a classification of likely benign for this disease.